The following is an entry in ClinVar:

ClinVar aggregate classification (germline): Uncertain significance (1 of 4 stars; one submission).

gnomAD v4.1: 1 of 1,613,102 alleles (0.000062%); highest among the groups gnomAD compares: Non-Finnish European, 0.000085%; no homozygotes.

Submission:

Labcorp Genetics (formerly Invitae), Labcorp
Classification: Uncertain significance. Last evaluated: 2024-07-20. Review status: criteria provided, single submitter. Criteria: Invitae Variant Classification Sherloc (09022015). Collection method: clinical testing. Allele origin: germline.
Comment: This sequence change replaces alanine, which is neutral and non-polar, with proline, which is neutral and non-polar, at codon 2448 of the SRCAP protein (p.Ala2448Pro). This variant is not present in population databases (gnomAD no frequency). This variant has not been reported in the literature in individuals affected with SRCAP-related conditions. Advanced modeling of protein sequence and biophysical properties (such as structural, functional, and spatial information, amino acid conservation, physicochemical variation, residue mobility, and thermodynamic stability) performed at Invitae indicates that this missense variant is not expected to disrupt SRCAP protein function with a negative predictive value of 80%. In summary, the available evidence is currently insufficient to determine the role of this variant in disease. Therefore, it has been classified as a Variant of Uncertain Significance.

NM_006662.3(SRCAP):c.7342G>C (p.Ala2448Pro)

Gene: SRCAP (Snf2 related CREBBP activator protein; plus strand). Cytogenetic location: 16p11.2.
Variant type: single nucleotide variant.
Coding change: c.7342G>C on transcript NM_006662.3 (MANE Select); coding-DNA position 7342, G replaced by C.
Protein change: p.Ala2448Pro; replaces alanine 2448 with proline.
Molecular consequence: missense variant.
Genome position (GRCh38, 1-based): chr16:30,737,382, G>C. VCF-style: chr16-30737382-G-C. GRCh37 (hg19) VCF-style: chr16-30748703-G-C.
Other names: short protein forms A2448P.
Identifiers: ClinVar variation 3695754 (VCV003695754.2).